The following is an entry in ClinVar:

ClinVar aggregate classification (germline): Uncertain significance (1 of 4 stars; one submission).

Submission:

Labcorp Genetics (formerly Invitae), Labcorp
Classification: Uncertain significance. Last evaluated: 2024-05-07. Review status: criteria provided, single submitter. Criteria: Invitae Variant Classification Sherloc (09022015). Collection method: clinical testing. Allele origin: germline.
Comment: This sequence change replaces alanine, which is neutral and non-polar, with threonine, which is neutral and polar, at codon 120 of the DTHD1 protein (p.Ala120Thr). This variant is present in population databases (no rsID available, gnomAD 0.007%). This variant has not been reported in the literature in individuals affected with DTHD1-related conditions. An algorithm developed to predict the effect of missense changes on protein structure and function (PolyPhen-2) suggests that this variant is likely to be disruptive. In summary, the available evidence is currently insufficient to determine the role of this variant in disease. Therefore, it has been classified as a Variant of Uncertain Significance.

NM_001170700.3(DTHD1):c.1228G>A (p.Ala410Thr)

Gene: DTHD1 (death domain containing 1; plus strand). Cytogenetic location: 4p14.
Variant type: single nucleotide variant.
Coding change: c.1228G>A on transcript NM_001170700.3 (MANE Select); coding-DNA position 1228, G replaced by A.
Protein change: p.Ala410Thr; replaces alanine 410 with threonine.
Molecular consequence: missense variant. On other transcripts: non-coding transcript variant (1), intron variant (1).
Genome position (GRCh38, 1-based): chr4:36,293,535, G>A. VCF-style: chr4-36293535-G-A. GRCh37 (hg19) VCF-style: chr4-36295157-G-A.
Other names: c.358G>A, p.Ala120Thr (NM_001136536.5); c.349-54G>A (NM_001378435.1); short protein forms A410T, A120T.
Identifiers: ClinVar variation 3668611 (VCV003668611.2).